The following is an entry in ClinVar:

ClinVar aggregate classification (germline): Uncertain significance (1 of 4 stars; one submission).

Conditions:
Inborn genetic diseases. Identifiers: MedGen C0950123, MeSH D030342.

Submission:

Ambry Genetics
Classification: Uncertain significance for Inborn genetic diseases. Last evaluated: 2026-09-02. Review status: criteria provided, single submitter. Criteria: Ambry Variant Classification Scheme 2023. Collection method: clinical testing. Allele origin: germline.
Comment: The p.L748P variant (also known as c.2243T>C), located in coding exon 14 of the PIK3CA gene, results from a T to C substitution at nucleotide position 2243. The leucine at codon 748 is replaced by proline, an amino acid with similar properties. This amino acid position is conserved. In addition, this alteration is predicted to be deleterious by in silico analysis. Based on the available evidence, the clinical significance of this variant remains unclear.

NM_006218.4(PIK3CA):c.2243T>C (p.Leu748Pro)

Gene: PIK3CA (phosphatidylinositol-4,5-bisphosphate 3-kinase catalytic subunit alpha; plus strand). Cytogenetic location: 3q26.32.
Variant type: single nucleotide variant.
Coding change: c.2243T>C on transcript NM_006218.4 (MANE Select); coding-DNA position 2243, T replaced by C.
Protein change: p.Leu748Pro; replaces leucine 748 with proline.
Molecular consequence: missense variant.
Genome position (GRCh38, 1-based): chr3:179,224,136, T>C. VCF-style: chr3-179224136-T-C. GRCh37 (hg19) VCF-style: chr3-178941924-T-C.
Other names: short protein forms L748P.
Identifiers: ClinVar variation 5026710 (VCV005026710.1).